The following is an entry in ClinVar:

NM_018344.6(SLC29A3):c.604A>G (p.Ile202Val)

Gene: SLC29A3 (solute carrier family 29 member 3; plus strand). Cytogenetic location: 10q22.1.
Variant type: single nucleotide variant.
Coding change: c.604A>G on transcript NM_018344.6 (MANE Select); coding-DNA position 604, A replaced by G.
Protein change: p.Ile202Val; replaces isoleucine 202 with valine.
Molecular consequence: missense variant. On other transcripts: non-coding transcript variant (1).
Genome position (GRCh38, 1-based): chr10:71,351,782, A>G. VCF-style: chr10-71351782-A-G. GRCh37 (hg19) VCF-style: chr10-73111539-A-G.
Other names: c.604A>G, p.Ile202Val (NM_001174098.2); c.370A>G, p.Ile124Val (NM_001363518.2); short protein forms I202V, I124V.
Identifiers: ClinVar variation 2082850 (VCV002082850.4), dbSNP rs1846771400, ClinGen allele CA377110003.

ClinVar aggregate classification (germline): Uncertain significance (1 of 4 stars; one submission).

Conditions:
H syndrome. Also called: FAISALABAD HISTIOCYTOSIS; Asrar Facharzt Haque syndrome; Histiocytosis with joint contractures and sensorineural deafness; Pigmented hypertrichosis and insulin-dependent diabetes mellitus; HISTIOCYTOSIS AND LYMPHADENOPATHY WITH OR WITHOUT CUTANEOUS, CARDIAC, AND/OR ENDOCRINE FEATURES, JOINT CONTRACTURES, AND/OR DEAFNESS; HYPERPIGMENTATION, CUTANEOUS, WITH HYPERTRICHOSIS, HEPATOSPLENOMEGALY, HEART ANOMALIES, AND HYPOGONADISM WITH OR WITHOUT HEARING LOSS. Identifiers: Orphanet 168569, MedGen C1864445, MONDO:0011273, OMIM 602782.

Allele frequency attached by ClinVar (database versions not stated): gnomAD exomes below 0.00001; TOPMed 0.00001.
gnomAD v4.1: 1 of 1,611,306 alleles (0.000062%); highest among the groups gnomAD compares: Non-Finnish European, 0.000085%; no homozygotes.

Submission:

Labcorp Genetics (formerly Invitae), Labcorp
Classification: Uncertain significance for H syndrome. Last evaluated: 2022-03-15. Review status: criteria provided, single submitter. Criteria: Invitae Variant Classification Sherloc (09022015). Collection method: clinical testing. Allele origin: germline.
Comment: In summary, the available evidence is currently insufficient to determine the role of this variant in disease. Therefore, it has been classified as a Variant of Uncertain Significance. Algorithms developed to predict the effect of missense changes on protein structure and function (SIFT, PolyPhen-2, Align-GVGD) all suggest that this variant is likely to be tolerated. This variant has not been reported in the literature in individuals affected with SLC29A3-related conditions. This variant is not present in population databases (gnomAD no frequency). This sequence change replaces isoleucine, which is neutral and non-polar, with valine, which is neutral and non-polar, at codon 202 of the SLC29A3 protein (p.Ile202Val).